The following is an entry in ClinVar:

NM_001563.4(IMPG1):c.1079G>C (p.Ser360Thr)

Gene: IMPG1 (interphotoreceptor matrix proteoglycan 1; minus strand). Cytogenetic location: 6q14.1.
Variant type: single nucleotide variant.
Coding change: c.1079G>C on transcript NM_001563.4 (MANE Select); coding-DNA position 1079, G replaced by C.
Protein change: p.Ser360Thr; replaces serine 360 with threonine.
Molecular consequence: missense variant.
Genome position (GRCh38, 1-based): chr6:76,005,343, C>G on the plus strand (G>C on the coding strand, the complement: IMPG1 is on the minus strand). VCF-style: chr6-76005343-C-G. GRCh37 (hg19) VCF-style: chr6-76715060-C-G.
Other names: c.845G>C, p.Ser282Thr (NM_001282368.2); c.1079G>C (NM_001563.3); short protein forms S282T, S360T.
Identifiers: ClinVar variation 1368693 (VCV001368693.11), dbSNP rs925608736, ClinGen allele CA141083699.

ClinVar aggregate classification (germline): Uncertain significance. Review status: criteria provided, multiple submitters, no conflicts (2 of 4 stars). 3 submissions from 3 submitters: Uncertain significance (3). Last evaluated 2025-12-08.

Conditions:
Retinitis pigmentosa (RP). Identifiers: Orphanet 791, MedGen C0035334, MeSH D012174, MONDO:0019200, OMIM 268000. Inheritance: Autosomal dominant, autosomal recessive and X linked inheritance.
Vitelliform macular dystrophy 5. Identifiers: Orphanet 99000, MedGen C4015343, MONDO:0014509, OMIM 616152.
IMPG1-related disorder. Also called: IMPG1-related condition.

Allele frequency attached by ClinVar (database versions not stated): gnomAD 0.00001; gnomAD exomes 0.00001; TOPMed 0.00001.
gnomAD v4.1: 6 of 1,613,888 alleles (0.00037%); highest among the groups gnomAD compares: African/African-American, 0.0067%; no homozygotes.

Submissions (3):

PreventionGenetics, part of Exact Sciences
Classification: Uncertain significance for IMPG1-related condition. Last evaluated: 2025-12-08. Review status: criteria provided, single submitter. Criteria: ACMG Guidelines, 2015. Collection method: clinical testing. Allele origin: germline.
Comment: The IMPG1 c.1079G>C variant is predicted to result in the amino acid substitution p.Ser360Thr. To our knowledge, this variant has not been reported in the literature. This variant is reported in 0.012% of alleles in individuals of African descent in gnomAD. At this time, the clinical significance of this variant is uncertain due to the absence of conclusive functional and genetic evidence.

Labcorp Genetics (formerly Invitae), Labcorp
Classification: Uncertain significance. Last evaluated: 2025-11-22. Review status: criteria provided, single submitter. Criteria: Invitae Variant Classification Sherloc (09022015). Collection method: clinical testing. Allele origin: germline.
Comment: This sequence change replaces serine, which is neutral and polar, with threonine, which is neutral and polar, at codon 360 of the IMPG1 protein (p.Ser360Thr). This variant is present in population databases (no rsID available, gnomAD 0.01%). This missense change has been observed in individual(s) with clinical features of retinitis pigmentosa (internal data). ClinVar contains an entry for this variant (Variation ID: 1368693). An algorithm developed to predict the effect of missense changes on protein structure and function outputs the following: PolyPhen-2: "Benign". The threonine amino acid residue is found in multiple mammalian species, which suggests that this missense change does not adversely affect protein function. In summary, the available evidence is currently insufficient to determine the role of this variant in disease. Therefore, it has been classified as a Variant of Uncertain Significance.

Blueprint Genetics
Classification: Uncertain significance. Last evaluated: 2019-02-14. Review status: criteria provided, single submitter. Criteria: ACMG Guidelines, 2015. Collection method: clinical testing. Allele origin: germline.